The following is an entry in ClinVar:

ClinVar aggregate classification (germline): Uncertain significance. Review status: criteria provided, multiple submitters, no conflicts (2 of 4 stars). 3 submissions from 3 submitters: Uncertain significance (3). Last evaluated 2025-02-22.

Conditions:
Maturity-onset diabetes of the young type 7 (MODY7). Identifiers: Orphanet 552, MedGen C1864839, MONDO:0012513, OMIM 610508.

Allele frequency attached by ClinVar (database versions not stated): gnomAD exomes 0.00001 and 0.00002; ExAC 0.00003; gnomAD 0.00014 and 0.00016; ESP Exome Variant Server 0.00023.
gnomAD v4.1: 41 of 1,602,764 alleles (0.0026%); highest among the groups gnomAD compares: African/African-American, 0.052%; no homozygotes.

Submissions (3):

Ambry Genetics
Classification: Uncertain significance. Last evaluated: 2025-02-22. Review status: criteria provided, single submitter. Criteria: Ambry Variant Classification Scheme 2023. Collection method: clinical testing. Allele origin: germline.

Labcorp Genetics (formerly Invitae), Labcorp
Classification: Uncertain significance. Last evaluated: 2024-04-25. Review status: criteria provided, single submitter. Criteria: Invitae Variant Classification Sherloc (09022015). Collection method: clinical testing. Allele origin: germline.
Comment: This sequence change replaces glycine, which is neutral and non-polar, with valine, which is neutral and non-polar, at codon 331 of the KLF11 protein (p.Gly331Val). This variant is present in population databases (rs151317435, gnomAD 0.03%). This variant has not been reported in the literature in individuals affected with KLF11-related conditions. ClinVar contains an entry for this variant (Variation ID: 1431303). An algorithm developed to predict the effect of missense changes on protein structure and function (PolyPhen-2) suggests that this variant is likely to be disruptive. In summary, the available evidence is currently insufficient to determine the role of this variant in disease. Therefore, it has been classified as a Variant of Uncertain Significance.

Fulgent Genetics
Classification: Uncertain significance for Maturity-onset diabetes of the young type 7. Last evaluated: 2022-01-30. Review status: criteria provided, single submitter. Criteria: ACMG Guidelines, 2015. Collection method: clinical testing. Allele origin: unknown.

NM_003597.5(KLF11):c.992G>T (p.Gly331Val)

Gene: KLF11 (KLF transcription factor 11; plus strand). Cytogenetic location: 2p25.1.
Variant type: single nucleotide variant.
Coding change: c.992G>T on transcript NM_003597.5 (MANE Select); coding-DNA position 992, G replaced by T.
Protein change: p.Gly331Val; replaces glycine 331 with valine.
Molecular consequence: missense variant.
Genome position (GRCh38, 1-based): chr2:10,048,329, G>T. VCF-style: chr2-10048329-G-T. GRCh37 (hg19) VCF-style: chr2-10188456-G-T.
Other names: c.941G>T, p.Gly314Val (NM_001177716.2, NM_001177718.2); c.992G>T (NM_003597.4); short protein forms G331V, G314V.
Identifiers: ClinVar variation 1431303 (VCV001431303.8), dbSNP rs151317435, ClinGen allele CA1525655.